The following is an entry in ClinVar:

NM_015046.7(SETX):c.4456G>T (p.Asp1486Tyr)

Gene: SETX (senataxin; minus strand). Cytogenetic location: 9q34.13.
Variant type: single nucleotide variant.
Coding change: c.4456G>T on transcript NM_015046.7 (MANE Select); coding-DNA position 4456, G replaced by T.
Protein change: p.Asp1486Tyr; replaces aspartic acid 1486 with tyrosine.
Molecular consequence: missense variant.
Genome position (GRCh38, 1-based): chr9:132,327,142, C>A on the plus strand (G>T on the coding strand, the complement: SETX is on the minus strand). VCF-style: chr9-132327142-C-A. GRCh37 (hg19) VCF-style: chr9-135202529-C-A.
Other names: c.4456G>T, p.Asp1486Tyr (NM_001351527.2, NM_001351528.2); short protein forms D1486Y.
Identifiers: ClinVar variation 4789533 (VCV004789533.1).

ClinVar aggregate classification (germline): Uncertain significance (1 of 4 stars; one submission).

Conditions:
Spinocerebellar ataxia, autosomal recessive, with axonal neuropathy 2 (SCAN2). Also called: ATAXIA-OCULOMOTOR APRAXIA 2; Ataxia with Oculomotor Apraxia; Ataxia-ocular apraxia-2; Ataxia with Oculomotor Apraxia Type 2. Identifiers: Orphanet 64753, MedGen C1853761, MONDO:0018996, OMIM 606002.
Amyotrophic lateral sclerosis type 4 (ALS4). Also called: AMYOTROPHIC LATERAL SCLEROSIS 4, JUVENILE; NEURONOPATHY, DISTAL HEREDITARY MOTOR, WITH PYRAMIDAL FEATURES. Identifiers: Orphanet 357043, MedGen C1865409, MONDO:0011223, OMIM 602433.

Submission:

Labcorp Genetics (formerly Invitae), Labcorp
Classification: Uncertain significance for Amyotrophic lateral sclerosis type 4; Spinocerebellar ataxia, autosomal recessive, with axonal neuropathy 2. Last evaluated: 2025-11-08. Review status: criteria provided, single submitter. Criteria: Invitae Variant Classification Sherloc (09022015). Collection method: clinical testing. Allele origin: germline.
Comment: This sequence change replaces aspartic acid, which is acidic and polar, with tyrosine, which is neutral and polar, at codon 1486 of the SETX protein (p.Asp1486Tyr). This variant is not present in population databases (gnomAD no frequency). This variant has not been reported in the literature in individuals affected with SETX-related conditions. Invitae Evidence Modeling of protein sequence and biophysical properties (such as structural, functional, and spatial information, amino acid conservation, physicochemical variation, residue mobility, and thermodynamic stability) indicates that this missense variant is not expected to disrupt SETX protein function with a negative predictive value of 95%. In summary, the available evidence is currently insufficient to determine the role of this variant in disease. Therefore, it has been classified as a Variant of Uncertain Significance.